The following is an entry in ClinVar:

ClinVar aggregate classification (germline): Conflicting classifications of pathogenicity. Review status: criteria provided, conflicting classifications (1 of 4 stars). 3 submissions from 3 submitters: Uncertain significance (1); Likely benign (2). Last evaluated 2026-01-11.

Conditions:
Hypotonia with lactic acidemia and hyperammonemia. Identifiers: Orphanet 137908, MedGen C2673642, MONDO:0012718, OMIM 611719.

Allele frequency attached by ClinVar (database versions not stated): TOPMed below 0.00001; ExAC 0.00001; gnomAD exomes 0.00001 and 0.00002.
gnomAD v4.1: 32 of 1,614,088 alleles (0.002%); highest among the groups gnomAD compares: Non-Finnish European, 0.0024%; no homozygotes.

Submissions (3):

Labcorp Genetics (formerly Invitae), Labcorp
Classification: Likely benign. Last evaluated: 2026-01-11. Review status: criteria provided, single submitter. Criteria: Invitae Variant Classification Sherloc (09022015). Collection method: clinical testing. Allele origin: germline.

Illumina Laboratory Services, Illumina
Classification: Uncertain significance for Hypotonia with lactic acidemia and hyperammonemia. Last evaluated: 2018-01-13. Review status: criteria provided, single submitter. Criteria: ICSL Variant Classification Criteria 13 December 2019. Collection method: clinical testing. Allele origin: germline.

GeneDx
Classification: Likely benign. Last evaluated: 2017-03-31. Review status: criteria provided, single submitter. Criteria: GeneDx Variant Classification (06012015). Collection method: clinical testing. Allele origin: germline. Affected: yes.
Comment: This variant is considered likely benign or benign based on one or more of the following criteria: it is a conservative change, it occurs at a poorly conserved position in the protein, it is predicted to be benign by multiple in silico algorithms, and/or has population frequency not consistent with disease.

NM_020191.4(MRPS22):c.90G>A (p.Gln30=)

Genes: MRPS22 (mitochondrial ribosomal protein S22; plus strand), LOC112903839 (Sharpr-MPRA regulatory region 3993; plus strand). Cytogenetic location: 3q23.
Variant type: single nucleotide variant.
Coding change: c.90G>A on transcript NM_020191.4 (MANE Select); coding-DNA position 90, G replaced by A.
Protein change: p.Gln30=; no amino-acid change (glutamine 30 retained).
Molecular consequence: synonymous variant.
Genome position (GRCh38, 1-based): chr3:139,344,116, G>A. VCF-style: chr3-139344116-G-A. GRCh37 (hg19) VCF-style: chr3-139062958-G-A.
Other names: c.90G>A, p.Gln30= (NM_001363893.1).
Identifiers: ClinVar variation 343483 (VCV000343483.6), dbSNP rs772766573, ClinGen allele CA2640610.